The following is an entry in ClinVar:

ClinVar aggregate classification (germline): Uncertain significance (1 of 4 stars; one submission).

Conditions:
Inborn genetic diseases. Identifiers: MedGen C0950123, MeSH D030342.

Allele frequency attached by ClinVar (database versions not stated): gnomAD 0.00001.
gnomAD v4.1: 3 of 1,613,018 alleles (0.00019%); highest among the groups gnomAD compares: South Asian, 0.0022%; no homozygotes.

Submission:

Ambry Genetics
Classification: Uncertain significance for Inborn genetic diseases. Last evaluated: 2024-02-26. Review status: criteria provided, single submitter. Criteria: Ambry Variant Classification Scheme 2023. Collection method: clinical testing. Allele origin: germline.
Comment: The p.D1634E variant (also known as c.4902C>A), located in coding exon 28 of the ATR gene, results from a C to A substitution at nucleotide position 4902. The aspartic acid at codon 1634 is replaced by glutamic acid, an amino acid with highly similar properties. This amino acid position is conserved. In addition, this alteration is predicted to be tolerated by in silico analysis. Based on the available evidence, the clinical significance of this alteration remains unclear.

NM_001184.4(ATR):c.4902C>A (p.Asp1634Glu)

Gene: ATR (ATR checkpoint kinase; minus strand). Cytogenetic location: 3q23.
Variant type: single nucleotide variant.
Coding change: c.4902C>A on transcript NM_001184.4 (MANE Select); coding-DNA position 4902, C replaced by A.
Protein change: p.Asp1634Glu; replaces aspartic acid 1634 with glutamic acid.
Molecular consequence: missense variant.
Genome position (GRCh38, 1-based): chr3:142,508,060, G>T on the plus strand (C>A on the coding strand, the complement: ATR is on the minus strand). VCF-style: chr3-142508060-G-T. GRCh37 (hg19) VCF-style: chr3-142226902-G-T.
Other names: c.4710C>A, p.Asp1570Glu (NM_001354579.2); short protein forms D1570E, D1634E.
Identifiers: ClinVar variation 3221188 (VCV003221188.1), dbSNP rs2032347735, ClinGen allele CA354820834.
Genomic context (GRCh38, chr3:142,508,060, plus strand): 5'-AGCTCGTGTGTATGCTTTGGAGCGAAAGGAAGCTACTGCCAGAGTATCCTGGGGTATGAG[G>T]TCTAGAAAACGGGTTACACTCTGATAGTCTTCATAATCCACAGTAGATACTAGATCATAA-3'
Protein context (NP_001175.2, residues 1624-1644): EDYQSVTRFL[Asp1634Glu]LIPQDTLAVA